The following is an entry in ClinVar:

ClinVar aggregate classification (germline): Uncertain significance. Review status: criteria provided, multiple submitters, no conflicts (2 of 4 stars). 5 submissions from 5 submitters: Uncertain significance (5). Last evaluated 2025-10-24.

Conditions:
Hereditary cancer-predisposing syndrome. Also called: Tumor predisposition; Hereditary Cancer Syndrome; Hereditary neoplastic syndrome; Neoplastic Syndromes, Hereditary. Identifiers: Orphanet 140162, MedGen C0027672, MeSH D009386, MONDO:0015356.
Hereditary breast ovarian cancer syndrome. Also called: Breast and ovarian cancer; Hereditary breast and/or ovarian cancer syndrome; BRCA1- and BRCA2-Associated Hereditary Breast and Ovarian Cancer; Hereditary breast and ovarian cancer syndrome; Hereditary breast and ovarian cancer syndrome (HBOC); Hereditary breast and ovarian cancer. Identifiers: Orphanet 145, MedGen C0677776, MeSH D061325, MONDO:0003582. Disease mechanism: loss of function.
Breast-ovarian cancer, familial, susceptibility to, 1 (BROVCA1). Also called: BRCA1 Hereditary Breast and Ovarian Cancer; OVARIAN CANCER, SUSCEPTIBILITY TO. Identifiers: Orphanet 145, MedGen C2676676, MONDO:0011450, OMIM 604370. Disease mechanism: loss of function.

Allele frequency attached by ClinVar (database versions not stated): TOPMed below 0.00001.

Submissions (5):

Quest Diagnostics Nichols Institute San Juan Capistrano
Classification: Uncertain significance. Last evaluated: 2025-10-24. Review status: criteria provided, single submitter. Criteria: Quest Diagnostics criteria. Collection method: clinical testing. Allele origin: unknown.
Comment: The BRCA1 c.4639T>G (p.Leu1547Val) variant has been reported in the published literature in an individual with breast cancer (PMID: 34196900 (2021)). This variant has not been reported in large, multi-ethnic general populations (Genome Aggregation Database). Analysis of this variant using bioinformatics tools for the prediction of the effect of amino acid changes on protein structure and function yielded predictions that this variant is benign. Based on the available information, we are unable to determine the clinical significance of this variant.

Labcorp Genetics (formerly Invitae), Labcorp
Classification: Uncertain significance for Hereditary breast ovarian cancer syndrome. Last evaluated: 2025-05-27. Review status: criteria provided, single submitter. Criteria: Invitae Variant Classification Sherloc (09022015). Collection method: clinical testing. Allele origin: germline.
Comment: This sequence change replaces leucine, which is neutral and non-polar, with valine, which is neutral and non-polar, at codon 1547 of the BRCA1 protein (p.Leu1547Val). This variant is not present in population databases (gnomAD no frequency). This missense change has been observed in individual(s) with breast cancer (PMID: 34196900). ClinVar contains an entry for this variant (Variation ID: 496386). Invitae Evidence Modeling of protein sequence and biophysical properties (such as structural, functional, and spatial information, amino acid conservation, physicochemical variation, residue mobility, and thermodynamic stability) indicates that this missense variant is not expected to disrupt BRCA1 protein function with a negative predictive value of 95%. In summary, the available evidence is currently insufficient to determine the role of this variant in disease. Therefore, it has been classified as a Variant of Uncertain Significance.

Women's Health and Genetics/Laboratory Corporation of America, LabCorp
Classification: Uncertain significance. Last evaluated: 2025-02-06. Review status: criteria provided, single submitter. Criteria: LabCorp Variant Classification Summary - May 2015. Collection method: clinical testing. Allele origin: germline.
Comment: Variant summary: BRCA1 c.4639T>G (p.Leu1547Val) results in a conservative amino acid change in the encoded protein sequence. Five of five in-silico tools predict a benign effect of the variant on protein function. The variant was absent in 251318 control chromosomes (gnomAD). The available data on variant occurrences in the general population are insufficient to allow any conclusion about variant significance. c.4639T>G has been reported in the literature in an individual affected with breast cancer without strong evidence of causality (Ren_2021). This report does not provide unequivocal conclusions about association of the variant with Hereditary Breast And Ovarian Cancer Syndrome. To our knowledge, no experimental evidence demonstrating an impact on protein function has been reported. The following publication has been ascertained in the context of this evaluation (PMID: 34196900). ClinVar contains an entry for this variant (Variation ID: 496386). Based on the evidence outlined above, the variant was classified as uncertain significance.

Ambry Genetics
Classification: Uncertain significance for Hereditary cancer-predisposing syndrome. Last evaluated: 2022-03-26. Review status: criteria provided, single submitter. Criteria: Ambry Variant Classification Scheme 2023. Collection method: clinical testing. Allele origin: germline.
Comment: The p.L1547V variant (also known as c.4639T>G), located in coding exon 13 of the BRCA1 gene, results from a T to G substitution at nucleotide position 4639. The leucine at codon 1547 is replaced by valine, an amino acid with highly similar properties. This amino acid position is not well conserved in available vertebrate species. In addition, the in silico prediction for this alteration is inconclusive. Since supporting evidence is limited at this time, the clinical significance of this alteration remains unclear.

Baylor Genetics
Classification: Uncertain significance for Breast-ovarian cancer, familial, susceptibility to, 1. Last evaluated: 2020-08-27. Review status: criteria provided, single submitter. Criteria: ACMG Guidelines, 2015. Collection method: clinical testing. Allele origin: maternal. Affected: yes. Study: CSER-TexasKidsCanSeq.
Comment: This variant was determined to be of uncertain significance according to ACMG Guidelines, 2015 [PMID:25741868].

Literature cited by the submitters: PubMed 34196900 (cited by 3 submitters).

NM_007294.4(BRCA1):c.4639T>G (p.Leu1547Val)

Gene: BRCA1 (BRCA1 DNA repair associated; minus strand). Cytogenetic location: 17q21.31.
Variant type: single nucleotide variant.
Coding change: c.4639T>G on transcript NM_007294.4 (MANE Select); coding-DNA position 4639, T replaced by G.
Protein change: p.Leu1547Val; replaces leucine 1547 with valine.
Molecular consequence: missense variant. On other transcripts: non-coding transcript variant (1).
Genome position (GRCh38, 1-based): chr17:43,074,367, A>C on the plus strand (T>G on the coding strand, the complement: BRCA1 is on the minus strand). VCF-style: chr17-43074367-A-C. GRCh37 (hg19) VCF-style: chr17-41226384-A-C.
Other names: c.4426T>G, p.Leu1476Val (NM_001407571.1, NM_001407894.1, NM_001407895.1 and 12 more transcripts); c.4705T>G, p.Leu1569Val (NM_001407581.1, NM_001407582.1); c.4702T>G, p.Leu1568Val (NM_001407583.1, NM_001407585.1, NM_001407587.1 and 1 more transcripts); c.4699T>G, p.Leu1567Val (NM_001407590.1, NM_001407591.1); c.4639T>G, p.Leu1547Val (NM_001407593.1, NM_001407594.1, NM_001407596.1 and 8 more transcripts); c.4636T>G, p.Leu1546Val (NM_001407610.1, NM_001407621.1, NM_001407622.1 and 17 more transcripts); c.4633T>G, p.Leu1545Val (NM_001407627.1, NM_001407628.1, NM_001407629.1 and 14 more transcripts); c.4630T>G, p.Leu1544Val (NM_001407644.1, NM_001407645.1); and 68 more; short protein forms L1547V, L1500V, L1568V, L443V, L1418V, L1434V, L1435V, L1458V.
Identifiers: ClinVar variation 496386 (VCV000496386.19), dbSNP rs730881492, ClinGen allele CA10592234.
Genomic context (GRCh38, chr17:43,074,367, plus strand): 5'-CCAATACAGCAGATGAAATATTACCTAGATCTTGCCTTGGCAAGTAAGATGTTTCCGTCA[A>C]ATCGTGTGGCCCAGACTCTTCCAGCTGTTGCTCCTCCACATCAACAACCTTAATGAGCTC-3'
Protein context (NP_009225.1, residues 1537-1557): QQLEESGPHD[Leu1547Val]TETSYLPRQD